The following is an entry in ClinVar:

NM_021035.3(ZNFX1):c.2640G>A (p.Gln880=)

Gene: ZNFX1 (zinc finger NFX1-type containing 1; minus strand). Cytogenetic location: 20q13.13.
Variant type: single nucleotide variant.
Coding change: c.2640G>A on transcript NM_021035.3 (MANE Select); coding-DNA position 2640, G replaced by A.
Protein change: p.Gln880=; no amino-acid change (glutamine 880 retained).
Molecular consequence: synonymous variant.
Genome position (GRCh38, 1-based): chr20:49,257,441, C>T on the plus strand (G>A on the coding strand, the complement: ZNFX1 is on the minus strand). VCF-style: chr20-49257441-C-T. GRCh37 (hg19) VCF-style: chr20-47873978-C-T.
Identifiers: ClinVar variation 715384 (VCV000715384.29), dbSNP rs143647973, ClinGen allele CA9902245.

ClinVar aggregate classification (germline): Benign/Likely benign. Review status: criteria provided, multiple submitters, no conflicts (2 of 4 stars). 4 submissions from 4 submitters: Benign (2); Likely benign (1). 1 of the submissions does not count toward it. Last evaluated 2025-12-01.

Conditions:
ZNFX1-related disorder. Also called: ZNFX1-related condition.

Allele frequency attached by ClinVar (database versions not stated): 1000 Genomes Project 30x 0.00094; 1000 Genomes Project 0.00120; ExAC 0.00249; gnomAD 0.00271 and 0.00290; gnomAD exomes 0.00276 and 0.00384; ESP Exome Variant Server 0.00292; TOPMed 0.00315.
gnomAD v4.1: 6,046 of 1,614,144 alleles (0.37%); highest among the groups gnomAD compares: Middle Eastern, 0.82%; 18 homozygotes.

Submissions (4):

CeGaT Center for Human Genetics Tuebingen
Classification: Likely benign. Last evaluated: 2025-12-01. Review status: criteria provided, single submitter. Criteria: CeGaT Center For Human Genetics Tuebingen Variant Classification Criteria Version 2. Collection method: clinical testing. Allele origin: germline. Affected: yes. Observed: 4 variant alleles.
Comment: ZNFX1: BP4, BP7, BS2

Labcorp Genetics (formerly Invitae), Labcorp
Classification: Benign. Last evaluated: 2018-06-23. Review status: criteria provided, single submitter. Criteria: Invitae Variant Classification Sherloc (09022015). Collection method: clinical testing. Allele origin: germline.

Breakthrough Genomics
Classification: Benign. Review status: criteria provided, single submitter. Criteria: ACMG Guidelines, 2015. Collection method: not provided. Allele origin: germline. Inheritance: Autosomal recessive inheritance. Affected: yes.

PreventionGenetics, part of Exact Sciences
Classification: Likely benign for ZNFX1-related condition. Last evaluated: 2023-10-26. Review status: no assertion criteria provided. Collection method: clinical testing. Allele origin: germline. Not counted in ClinVar's aggregate classification.
Comment: This variant is classified as likely benign based on ACMG/AMP sequence variant interpretation guidelines (Richards et al. 2015 PMID: 25741868, with internal and published modifications).